The following is an entry in ClinVar:

ClinVar aggregate classification (germline): Uncertain significance (1 of 4 stars; one submission).

Conditions:
Hereditary breast ovarian cancer syndrome. Also called: Hereditary breast and ovarian cancer syndrome (HBOC); Breast and ovarian cancer; BRCA1- and BRCA2-Associated Hereditary Breast and Ovarian Cancer; Hereditary breast and ovarian cancer syndrome; Hereditary breast and ovarian cancer; Hereditary breast and/or ovarian cancer syndrome. Identifiers: Orphanet 145, MedGen C0677776, MeSH D061325, MONDO:0003582. Disease mechanism: loss of function.

Submission:

Labcorp Genetics (formerly Invitae), Labcorp
Classification: Uncertain significance for Hereditary breast ovarian cancer syndrome. Last evaluated: 2025-10-01. Review status: criteria provided, single submitter. Criteria: Invitae Variant Classification Sherloc (09022015). Collection method: clinical testing. Allele origin: germline.
Comment: This sequence change replaces arginine, which is basic and polar, with glycine, which is neutral and non-polar, at codon 468 of the BRCA2 protein (p.Arg468Gly). This variant is not present in population databases (gnomAD no frequency). This missense change has been observed in individual(s) with clinical features of BRCA2-related conditions (PMID: 27223485). ClinVar contains an entry for this variant (Variation ID: 2846362). Invitae Evidence Modeling of protein sequence and biophysical properties (such as structural, functional, and spatial information, amino acid conservation, physicochemical variation, residue mobility, and thermodynamic stability) indicates that this missense variant is not expected to disrupt BRCA2 protein function with a negative predictive value of 95%. In summary, the available evidence is currently insufficient to determine the role of this variant in disease. Therefore, it has been classified as a Variant of Uncertain Significance.

Literature cited by the submitters: PubMed 27223485.

NM_000059.4(BRCA2):c.1402A>G (p.Arg468Gly)

Gene: BRCA2 (BRCA2 DNA repair associated; plus strand). Cytogenetic location: 13q13.1.
Variant type: single nucleotide variant.
Coding change: c.1402A>G on transcript NM_000059.4 (MANE Select); coding-DNA position 1402, A replaced by G.
Protein change: p.Arg468Gly; replaces arginine 468 with glycine.
Molecular consequence: missense variant. On other transcripts: non-coding transcript variant (1), intron variant (1).
Genome position (GRCh38, 1-based): chr13:32,332,880, A>G. VCF-style: chr13-32332880-A-G. GRCh37 (hg19) VCF-style: chr13-32907017-A-G.
Other names: c.1402A>G, p.Arg468Gly (NM_001406719.1, NM_001406720.1, NM_001406721.1); c.424+1850A>G (NM_001406722.1); short protein forms R468G.
Identifiers: ClinVar variation 2846362 (VCV002846362.3), dbSNP rs1555281894, ClinGen allele CA387764157.